The following is an entry in ClinVar:

NM_014946.4(SPAST):c.1379G>A (p.Arg460His)

Gene: SPAST (spastin; plus strand). Cytogenetic location: 2p22.3.
Variant type: single nucleotide variant.
Coding change: c.1379G>A on transcript NM_014946.4 (MANE Select); coding-DNA position 1379, G replaced by A.
Protein change: p.Arg460His; replaces arginine 460 with histidine.
Molecular consequence: missense variant.
Genome position (GRCh38, 1-based): chr2:32,136,934, G>A. VCF-style: chr2-32136934-G-A. GRCh37 (hg19) VCF-style: chr2-32362003-G-A.
Other names: c.1376G>A, p.Arg459His (NM_001363823.2); c.1280G>A, p.Arg427His (NM_001363875.2); c.1283G>A, p.Arg428His (NM_001377959.1, NM_199436.2); short protein forms R427H, R428H, R459H, R460H.
Identifiers: ClinVar variation 987211 (VCV000987211.14), dbSNP rs1553318241, ClinGen allele CA346502290.

ClinVar aggregate classification (germline): Conflicting classifications of pathogenicity. Review status: criteria provided, conflicting classifications (1 of 4 stars). 4 submissions from 4 submitters: Pathogenic (1); Likely pathogenic (2); Uncertain significance (1). Last evaluated 2024-09-09.

Conditions:
Hereditary spastic paraplegia. Also called: Familial spastic paraparesis. Identifiers: Orphanet 685, MedGen C0037773, MONDO:0019064. Disease mechanism: loss of function.
Hereditary spastic paraplegia 4. Also called: Spastic paraplegia 4, autosomal dominant; Spastic Paraplegia 4; Familial spastic paraplegia autosomal dominant 2. Identifiers: Orphanet 100985, MedGen C1866855, MONDO:0008438, OMIM 182601.

Allele frequency attached by ClinVar (database versions not stated): gnomAD exomes below 0.00001.
gnomAD v4.1: 3 of 1,613,554 alleles (0.00019%); highest among the groups gnomAD compares: Non-Finnish European, 0.00025%; no homozygotes.

Submissions (4):

Labcorp Genetics (formerly Invitae), Labcorp
Classification: Likely pathogenic for Hereditary spastic paraplegia 4. Last evaluated: 2024-09-09. Review status: criteria provided, single submitter. Criteria: Invitae Variant Classification Sherloc (09022015). Collection method: clinical testing. Allele origin: germline.
Comment: This sequence change replaces arginine, which is basic and polar, with histidine, which is basic and polar, at codon 460 of the SPAST protein (p.Arg460His). This variant is not present in population databases (gnomAD no frequency). This missense change has been observed in individual(s) with clinical features of hereditary spastic paraplegia (PMID: 18701882). ClinVar contains an entry for this variant (Variation ID: 987211). Invitae Evidence Modeling of protein sequence and biophysical properties (such as structural, functional, and spatial information, amino acid conservation, physicochemical variation, residue mobility, and thermodynamic stability) indicates that this missense variant is expected to disrupt SPAST protein function with a positive predictive value of 80%. This variant disrupts the p.Arg460 amino acid residue in SPAST. Other variant(s) that disrupt this residue have been determined to be pathogenic (PMID: 15248095, 15482961, 16055926, 16832076). This suggests that this residue is clinically significant, and that variants that disrupt this residue are likely to be disease-causing. In summary, the currently available evidence indicates that the variant is pathogenic, but additional data are needed to prove that conclusively. Therefore, this variant has been classified as Likely Pathogenic.

Institute of Medical Genetics and Applied Genomics, University Hospital Tübingen
Classification: Pathogenic. Last evaluated: 2020-10-23. Review status: criteria provided, single submitter. Criteria: ACMG Guidelines, 2015. Collection method: clinical testing. Allele origin: germline. Inheritance: Unknown mechanism. Affected: yes.

Blueprint Genetics
Classification: Uncertain significance. Last evaluated: 2019-07-26. Review status: criteria provided, single submitter. Criteria: ACMG Guidelines, 2015. Collection method: clinical testing. Allele origin: germline.

Genome Diagnostics Laboratory, The Hospital for Sick Children
Classification: Likely pathogenic for Hereditary spastic paraplegia. Last evaluated: 2018-09-01. Review status: criteria provided, single submitter. Criteria: ACMG Guidelines, 2015. Collection method: clinical testing. Allele origin: germline. Affected: yes.

Literature cited by the submitters: PubMed 18701882 (cited by Labcorp Genetics (formerly Invitae), Labcorp); PubMed 15248095 (cited by Labcorp Genetics (formerly Invitae), Labcorp); PubMed 15482961 (cited by Labcorp Genetics (formerly Invitae), Labcorp); PubMed 16055926 (cited by Labcorp Genetics (formerly Invitae), Labcorp); PubMed 16832076 (cited by Labcorp Genetics (formerly Invitae), Labcorp).